The following is an entry in ClinVar:

ClinVar aggregate classification (germline): Pathogenic (1 of 4 stars; one submission).

Allele frequency attached by ClinVar (database versions not stated): gnomAD 0.00001; TOPMed 0.00002.

Submission:

Labcorp Genetics (formerly Invitae), Labcorp
Classification: Pathogenic. Last evaluated: 2024-06-26. Review status: criteria provided, single submitter. Criteria: Invitae Variant Classification Sherloc (09022015). Collection method: clinical testing. Allele origin: germline.
Comment: This sequence change creates a premature translational stop signal (p.Leu494Serfs*26) in the TPP1 gene. While this is not anticipated to result in nonsense mediated decay, it is expected to disrupt the last 70 amino acid(s) of the TPP1 protein. This variant is not present in population databases (gnomAD no frequency). This variant has not been reported in the literature in individuals affected with TPP1-related conditions. ClinVar contains an entry for this variant (Variation ID: 1995567). This variant disrupts a region of the TPP1 protein in which other variant(s) (p.Trp542*) have been determined to be pathogenic (PMID: 31283065; Invitae). This suggests that this is a clinically significant region of the protein, and that variants that disrupt it are likely to be disease-causing. For these reasons, this variant has been classified as Pathogenic.

Literature cited by the submitters: PubMed 31283065.

NM_000391.4(TPP1):c.1477_1478dup (p.Leu494fs)

Gene: TPP1 (tripeptidyl peptidase 1; minus strand). Cytogenetic location: 11p15.4.
Variant type: Duplication.
Coding change: c.1477_1478dup on transcript NM_000391.4 (MANE Select); coding-DNA positions 1477 to 1478, 2 bases duplicated (AT; older notation c.1477_1478dupAT).
Protein change: p.Leu494fs; shifts the reading frame from leucine 494.
Molecular consequence: frameshift variant.
Genome position (GRCh38, 1-based): chr11:6,614,939-6,614,940, AT duplicated on the plus strand (AT on the coding strand, the reverse complement: TPP1 is on the minus strand). VCF-style (leftmost placement, unchanged base first): chr11-6614938-G-GAT. GRCh37 (hg19) VCF-style: chr11-6636169-G-GAT.
Other names: short protein forms L494fs.
Identifiers: ClinVar variation 1995567 (VCV001995567.4), dbSNP rs749714444, ClinGen allele CA217321067.